The following is an entry in ClinVar:

NM_144997.7(FLCN):c.1549G>A (p.Val517Met)

Gene: FLCN (folliculin; minus strand). Cytogenetic location: 17p11.2.
Variant type: single nucleotide variant.
Coding change: c.1549G>A on transcript NM_144997.7 (MANE Select); coding-DNA position 1549, G replaced by A.
Protein change: p.Val517Met; replaces valine 517 with methionine.
Molecular consequence: missense variant.
Genome position (GRCh38, 1-based): chr17:17,213,846, C>T on the plus strand (G>A on the coding strand, the complement: FLCN is on the minus strand). VCF-style: chr17-17213846-C-T. GRCh37 (hg19) VCF-style: chr17-17117160-C-T.
Other names: c.1603G>A, p.Val535Met (NM_001353229.2); c.1549G>A, p.Val517Met (NM_001353230.2, NM_001353231.2); short protein forms V517M, V535M.
Identifiers: ClinVar variation 5021840 (VCV005021840.1).
Genomic context (GRCh38, chr17:17,213,846, plus strand): 5'-TCAGCAGCTTCTGTGTGTCCTCTTTGGGTCGACTGTCCACCTTGGTGAACTTAAAAAGCA[C>T]CTTCACTTTGCTGAAGAAAACCAAAACAAAACACTCAGACACCACAGCACAATCCCTCGA-3'
Protein context (NP_659434.2, residues 507-527): LKEEWMNKVK[Val517Met]LFKFTKVDSR

ClinVar aggregate classification (germline): Uncertain significance (1 of 4 stars; one submission).

Conditions:
Hereditary cancer-predisposing syndrome. Also called: Neoplastic Syndromes, Hereditary; Tumor predisposition; Hereditary neoplastic syndrome; Hereditary Cancer Syndrome. Identifiers: Orphanet 140162, MedGen C0027672, MeSH D009386, MONDO:0015356.

Submission:

Ambry Genetics
Classification: Uncertain significance for Hereditary cancer-predisposing syndrome. Last evaluated: 2026-07-07. Review status: criteria provided, single submitter. Criteria: Ambry Variant Classification Scheme 2023. Collection method: clinical testing. Allele origin: germline.
Comment: The p.V517M variant (also known as c.1549G>A), located in coding exon 11 of the FLCN gene, results from a G to A substitution at nucleotide position 1549. The valine at codon 517 is replaced by methionine, an amino acid with highly similar properties. This amino acid position is conserved. In addition, this alteration is predicted to be deleterious by in silico analysis. Based on the available evidence, the clinical significance of this variant remains unclear.